The following is an entry in ClinVar:

ClinVar aggregate classification (germline): Uncertain significance. Review status: criteria provided, multiple submitters, no conflicts (2 of 4 stars). 2 submissions from 2 submitters: Uncertain significance (2). Last evaluated 2025-12-11.

Conditions:
Inborn genetic diseases. Identifiers: MedGen C0950123, MeSH D030342.

Allele frequency attached by ClinVar (database versions not stated): TOPMed 0.00014; gnomAD 0.00011.
gnomAD v4.1: 281 of 1,614,060 alleles (0.017%); highest among the groups gnomAD compares: Non-Finnish European, 0.021%; 1 homozygote.

Submissions (2):

Ambry Genetics
Classification: Uncertain significance for Inborn genetic diseases. Last evaluated: 2025-12-11. Review status: criteria provided, single submitter. Criteria: Ambry Variant Classification Scheme 2023. Collection method: clinical testing. Allele origin: germline.

Labcorp Genetics (formerly Invitae), Labcorp
Classification: Uncertain significance. Last evaluated: 2021-09-24. Review status: criteria provided, single submitter. Criteria: Invitae Variant Classification Sherloc (09022015). Collection method: clinical testing. Allele origin: germline.
Comment: This sequence change replaces arginine with tryptophan at codon 785 of the MCPH1 protein (p.Arg785Trp). The arginine residue is weakly conserved and there is a moderate physicochemical difference between arginine and tryptophan. This variant is present in population databases (rs759811955, ExAC 0.03%). This variant has not been reported in the literature in individuals with MCPH1-related conditions. Algorithms developed to predict the effect of missense changes on protein structure and function output the following: SIFT: "Not Available"; PolyPhen-2: "Probably Damaging"; Align-GVGD: "Not Available". The tryptophan amino acid residue is found in multiple mammalian species, suggesting that this missense change does not adversely affect protein function. These predictions have not been confirmed by published functional studies and their clinical significance is uncertain. In summary, the available evidence is currently insufficient to determine the role of this variant in disease. Therefore, it has been classified as a Variant of Uncertain Significance.

NM_024596.5(MCPH1):c.2353C>T (p.Arg785Trp)

Genes: MCPH1 (microcephalin 1; plus strand), MCPH1-AS1 (MCPH1 antisense RNA 1; minus strand). Cytogenetic location: 8p23.1.
Variant type: single nucleotide variant.
Coding change: c.2353C>T on transcript NM_024596.5 (MANE Select); coding-DNA position 2353, C replaced by T.
Protein change: p.Arg785Trp; replaces arginine 785 with tryptophan.
Molecular consequence: missense variant. On other transcripts: non-coding transcript variant (1).
Genome position (GRCh38, 1-based): chr8:6,621,592, C>T. VCF-style: chr8-6621592-C-T. GRCh37 (hg19) VCF-style: chr8-6479113-C-T.
Other names: c.2353C>T (NM_024596.3); c.2353C>T, p.Arg785Trp (NM_001322042.2, NM_001363979.1); c.2074C>T, p.Arg692Trp (NM_001363980.2); short protein forms R785W, R692W.
Identifiers: ClinVar variation 1347763 (VCV001347763.7), dbSNP rs759811955, ClinGen allele CA4611505.